The following is an entry in ClinVar:

NM_001903.5(CTNNA1):c.585A>G (p.Gln195=)

Gene: CTNNA1 (catenin alpha 1; plus strand). Cytogenetic location: 5q31.2.
Variant type: single nucleotide variant.
Coding change: c.585A>G on transcript NM_001903.5 (MANE Select); coding-DNA position 585, A replaced by G.
Protein change: p.Gln195=; no amino-acid change (glutamine 195 retained).
Molecular consequence: synonymous variant.
Genome position (GRCh38, 1-based): chr5:138,812,299, A>G. VCF-style: chr5-138812299-A-G. GRCh37 (hg19) VCF-style: chr5-138147988-A-G.
Other names: c.585A>G, p.Gln195= (NM_001290307.3, NM_001323982.2, NM_001323983.1 and 3 more transcripts); c.276A>G, p.Gln92= (NM_001290309.3); c.216A>G, p.Gln72= (NM_001290310.3).
Identifiers: ClinVar variation 706352 (VCV000706352.17), dbSNP rs747815829, ClinGen allele CA3431480.

ClinVar aggregate classification (germline): Benign/Likely benign. Review status: criteria provided, multiple submitters, no conflicts (2 of 4 stars). 4 submissions from 4 submitters: Benign (1); Likely benign (3). Last evaluated 2025-12-01.

Conditions:
Hereditary cancer-predisposing syndrome. Also called: Tumor predisposition; Neoplastic Syndromes, Hereditary; Hereditary neoplastic syndrome; Hereditary Cancer Syndrome. Identifiers: Orphanet 140162, MedGen C0027672, MeSH D009386, MONDO:0015356.
Hereditary diffuse gastric adenocarcinoma (HDGC). Also called: DIFFUSE GASTRIC AND LOBULAR BREAST CANCER SYNDROME. Identifiers: Orphanet 26106, MedGen C1708349, MONDO:0007648, OMIM 137215.

Allele frequency attached by ClinVar (database versions not stated): gnomAD 0.00001; gnomAD exomes 0.00002 and 0.00004; ExAC 0.00004.
gnomAD v4.1: 30 of 1,612,646 alleles (0.0019%); highest among the groups gnomAD compares: East Asian, 0.067%; no homozygotes.

Submissions (4):

Labcorp Genetics (formerly Invitae), Labcorp
Classification: Likely benign. Last evaluated: 2025-12-01. Review status: criteria provided, single submitter. Criteria: Invitae Variant Classification Sherloc (09022015). Collection method: clinical testing. Allele origin: germline.

Myriad Genetics, Inc.
Classification: Benign for Hereditary diffuse gastric adenocarcinoma. Last evaluated: 2024-10-10. Review status: criteria provided, single submitter. Criteria: Myriad Autosomal Dominant, Autosomal Recessive and X-Linked Classification Criteria (2023). Collection method: clinical testing. Allele origin: unknown.
Comment: This variant is considered benign. This variant is a silent/synonymous amino acid change and it is not expected to impact splicing.

Blueprint Genetics
Classification: Likely benign. Last evaluated: 2023-05-09. Review status: criteria provided, single submitter. Criteria: ACMG Guidelines, 2015. Collection method: clinical testing. Allele origin: germline.

Ambry Genetics
Classification: Likely benign for Hereditary cancer-predisposing syndrome. Last evaluated: 2018-11-27. Review status: criteria provided, single submitter. Criteria: Ambry Variant Classification Scheme 2023. Collection method: clinical testing. Allele origin: germline.